The following is an entry in ClinVar:

ClinVar aggregate classification (germline): Benign/Likely benign. Review status: criteria provided, multiple submitters, no conflicts (2 of 4 stars). 9 submissions from 9 submitters: Benign (4); Likely benign (4). 1 of the submissions does not count toward it. Last evaluated 2026-02-02.

Conditions:
Cholestanol storage disease (CTX). Also called: CEREBRAL CHOLESTERINOSIS; Cerebrotendinous Xanthomatosis; CTX: Cerebrotendinous xanthomatosis. Identifiers: Orphanet 909, MedGen C0238052, MONDO:0008948, OMIM 213700.
Cardiovascular phenotype. Identifiers: MedGen CN230736.

Allele frequency attached by ClinVar (database versions not stated): gnomAD exomes 0.00125; ExAC 0.00171; 1000 Genomes Project 0.00300; 1000 Genomes Project 30x 0.00312; gnomAD 0.00513 and 0.00559; TOPMed 0.00617; ESP Exome Variant Server 0.00638.
gnomAD v4.1: 1,465 of 1,614,230 alleles (0.091%); highest among the groups gnomAD compares: African/African-American, 1.7%; 9 homozygotes.

Submissions (9):

Labcorp Genetics (formerly Invitae), Labcorp
Classification: Benign for Cholestanol storage disease. Last evaluated: 2026-02-02. Review status: criteria provided, single submitter. Criteria: Invitae Variant Classification Sherloc (09022015). Collection method: clinical testing. Allele origin: germline.

Mayo Clinic Laboratories, Mayo Clinic
Classification: Benign. Last evaluated: 2024-12-10. Review status: criteria provided, single submitter. Criteria: ACMG Guidelines, 2015. Collection method: clinical testing. Allele origin: germline. Observed: 19 variant alleles.
Comment: BS1, BS2, BP4, BP7

Blueprint Genetics
Classification: Likely benign. Last evaluated: 2024-09-13. Review status: criteria provided, single submitter. Criteria: ACMG Guidelines, 2015. Collection method: clinical testing. Allele origin: germline.

Ambry Genetics
Classification: Benign for Cardiovascular phenotype. Last evaluated: 2021-05-21. Review status: criteria provided, single submitter. Criteria: Ambry Variant Classification Scheme 2023. Collection method: clinical testing. Allele origin: germline.

GeneDx
Classification: Likely benign. Last evaluated: 2021-04-16. Review status: criteria provided, single submitter. Criteria: GeneDx Variant Classification Process June 2021. Collection method: clinical testing. Allele origin: germline. Affected: yes.

Athena Diagnostics
Classification: Benign. Last evaluated: 2018-10-23. Review status: criteria provided, single submitter. Criteria: Athena Diagnostics Criteria. Collection method: clinical testing. Allele origin: germline.

Illumina Laboratory Services, Illumina
Classification: Likely benign for Cholestanol storage disease. Last evaluated: 2018-01-12. Review status: criteria provided, single submitter. Criteria: ICSL Variant Classification Criteria 13 December 2019. Collection method: clinical testing. Allele origin: germline.
Comment: This variant was observed in the ICSL laboratory as part of a predisposition screen in an ostensibly healthy population. It had not been previously curated by ICSL or reported in the Human Gene Mutation Database (HGMD: prior to June 1st, 2018), and was therefore a candidate for classification through an automated scoring system. Utilizing variant allele frequency, disease prevalence and penetrance estimates, and inheritance mode, an automated score was calculated to assess if this variant is too frequent to cause the disease. Based on the score and internal cut-off values, a variant classified as likely benign is not then subjected to further curation. The score for this variant resulted in a classification of likely benign for this disease.

Breakthrough Genomics
Classification: Likely benign. Review status: criteria provided, single submitter. Criteria: ACMG Guidelines, 2015. Collection method: not provided. Allele origin: germline. Inheritance: Autosomal recessive inheritance. Affected: yes.

Natera, Inc.
Classification: Benign for Cerebrotendinous xanthomatosis. Last evaluated: 2019-11-22. Review status: no assertion criteria provided. Collection method: clinical testing. Allele origin: germline. Not counted in ClinVar's aggregate classification.

NM_000784.4(CYP27A1):c.921G>A (p.Val307=)

Gene: CYP27A1 (cytochrome P450 family 27 subfamily A member 1; plus strand). Cytogenetic location: 2q35.
Variant type: single nucleotide variant.
Coding change: c.921G>A on transcript NM_000784.4 (MANE Select); coding-DNA position 921, G replaced by A.
Protein change: p.Val307=; no amino-acid change (valine 307 retained).
Molecular consequence: synonymous variant.
Genome position (GRCh38, 1-based): chr2:218,813,000, G>A. VCF-style: chr2-218813000-G-A. GRCh37 (hg19) VCF-style: chr2-219677723-G-A.
Other names: p.Val307=.
Identifiers: ClinVar variation 334373 (VCV000334373.23), dbSNP rs147975335, ClinGen allele CA2112759.
Genomic context (GRCh38, chr2:218,813,000, plus strand): 5'-TGAGAAGCTCGAAGATATGGAGGCCCAACTGCAGGCAGCAGGGCCAGATGGCATCCAGGT[G>A]TCTGGCTACCTGCACTTCTTACTGGCCAGTGGACAGCTCAGTCCTCGGGAGGCCATGGGC-3'
Protein context (NP_000775.1, residues 297-317): LQAAGPDGIQ[Val307=]SGYLHFLLAS